The following is an entry in ClinVar:

NM_003722.5(TP63):c.580-3C>G

Gene: TP63 (tumor protein p63; plus strand). Cytogenetic location: 3q28.
Variant type: single nucleotide variant.
Coding change: c.580-3C>G on transcript NM_003722.5 (MANE Select); 3 bases into the intron before coding-DNA position 580, C replaced by G.
Molecular consequence: intron variant.
Genome position (GRCh38, 1-based): chr3:189,864,229, C>G. VCF-style: chr3-189864229-C-G. GRCh37 (hg19) VCF-style: chr3-189582018-C-G.
Other names: c.574-3C>G (NM_001329964.2); c.580-3C>G (NM_001114978.2, NM_001329144.2, NM_001329148.2 and 1 more transcripts); c.298-3C>G (NM_001114980.2, NM_001114981.2, NM_001329145.2 and 2 more transcripts); c.43-3C>G (NM_001329146.2, NM_001329150.2).
Identifiers: ClinVar variation 2662432 (VCV002662432.1), dbSNP rs1247417134, ClinGen allele CA2695199348.

ClinVar aggregate classification (germline): Uncertain significance (1 of 4 stars; one submission).

Submission:

GeneDx
Classification: Uncertain significance. Last evaluated: 2023-04-03. Review status: criteria provided, single submitter. Criteria: GeneDx Variant Classification Process June 2021. Collection method: clinical testing. Allele origin: germline. Affected: yes.
Comment: Not observed at significant frequency in large population cohorts (gnomAD); In silico analysis supports a deleterious effect on splicing; Has not been previously published as pathogenic or benign to our knowledge